The following is an entry in ClinVar:

NM_030753.5(WNT3):c.73A>G (p.Ile25Val)

Genes: LRRC37A2 (leucine rich repeat containing 37 member A2), WNT3 (Wnt family member 3; minus strand). Cytogenetic location: 17q21.32.
Variant type: single nucleotide variant.
Coding change: c.73A>G on transcript NM_030753.5 (MANE Select); coding-DNA position 73, A replaced by G.
Protein change: p.Ile25Val; replaces isoleucine 25 with valine.
Molecular consequence: missense variant.
Genome position (GRCh38, 1-based): chr17:46,818,525, T>C on the plus strand (A>G on the coding strand, the complement: WNT3 is on the minus strand). VCF-style: chr17-46818525-T-C. GRCh37 (hg19) VCF-style: chr17-44895891-T-C.
Other names: short protein forms I25V.
Identifiers: ClinVar variation 3002932 (VCV003002932.3), dbSNP rs778078174, ClinGen allele CA8620688.

ClinVar aggregate classification (germline): Uncertain significance (1 of 4 stars; one submission).

Allele frequency attached by ClinVar (database versions not stated): ExAC 0.00002; TOPMed 0.00002; gnomAD 0.00004.
gnomAD v4.1: 12 of 1,606,890 alleles (0.00075%); highest among the groups gnomAD compares: African/African-American, 0.008%; no homozygotes.

Submission:

Labcorp Genetics (formerly Invitae), Labcorp
Classification: Uncertain significance. Last evaluated: 2024-04-22. Review status: criteria provided, single submitter. Criteria: Invitae Variant Classification Sherloc (09022015). Collection method: clinical testing. Allele origin: germline.
Comment: This sequence change replaces isoleucine, which is neutral and non-polar, with valine, which is neutral and non-polar, at codon 25 of the WNT3 protein (p.Ile25Val). This variant is present in population databases (rs778078174, gnomAD 0.009%). This variant has not been reported in the literature in individuals affected with WNT3-related conditions. An algorithm developed to predict the effect of missense changes on protein structure and function (PolyPhen-2) suggests that this variant is likely to be tolerated. In summary, the available evidence is currently insufficient to determine the role of this variant in disease. Therefore, it has been classified as a Variant of Uncertain Significance.